The following is an entry in ClinVar:

NM_194436.3(LDHD):c.1276G>A (p.Glu426Lys)

Gene: LDHD (lactate dehydrogenase D; minus strand). Cytogenetic location: 16q23.1.
Variant type: single nucleotide variant.
Coding change: c.1276G>A on transcript NM_194436.3 (MANE Select); coding-DNA position 1276, G replaced by A.
Protein change: p.Glu426Lys; replaces glutamic acid 426 with lysine.
Molecular consequence: missense variant.
Genome position (GRCh38, 1-based): chr16:75,112,615, C>T on the plus strand (G>A on the coding strand, the complement: LDHD is on the minus strand). VCF-style: chr16-75112615-C-T. GRCh37 (hg19) VCF-style: chr16-75146513-C-T.
Other names: c.1345G>A, p.Glu449Lys (NM_153486.4); short protein forms E449K, E426K.
Identifiers: ClinVar variation 770256 (VCV000770256.7), dbSNP rs78008482, ClinGen allele CA8172207.

ClinVar aggregate classification (germline): Benign. Review status: criteria provided, multiple submitters, no conflicts (2 of 4 stars). 3 submissions from 3 submitters: Benign (2). 1 of the submissions does not count toward it. Last evaluated 2019-12-31.

Conditions:
LDHD-related disorder. Also called: LDHD-related condition.

Allele frequency attached by ClinVar (database versions not stated): ESP Exome Variant Server 0.00046; gnomAD exomes 0.00229 and 0.00833; gnomAD 0.00571 and 0.00618; ExAC 0.00623; TOPMed 0.00628; 1000 Genomes Project 0.01198; 1000 Genomes Project 30x 0.01234.
gnomAD v4.1: 4,440 of 1,614,144 alleles (0.28%); highest among the groups gnomAD compares: Admixed American, 4.2%; 105 homozygotes.

Submissions (3):

Labcorp Genetics (formerly Invitae), Labcorp
Classification: Benign. Last evaluated: 2019-12-31. Review status: criteria provided, single submitter. Criteria: Invitae Variant Classification Sherloc (09022015). Collection method: clinical testing. Allele origin: germline.

Breakthrough Genomics
Classification: Benign. Review status: criteria provided, single submitter. Criteria: ACMG Guidelines, 2015. Collection method: not provided. Allele origin: germline. Inheritance: Autosomal recessive inheritance. Affected: yes.

PreventionGenetics, part of Exact Sciences
Classification: Benign for LDHD-related condition. Last evaluated: 2019-11-05. Review status: no assertion criteria provided. Collection method: clinical testing. Allele origin: germline. Not counted in ClinVar's aggregate classification.
Comment: This variant is classified as benign based on ACMG/AMP sequence variant interpretation guidelines (Richards et al. 2015 PMID: 25741868, with internal and published modifications).